The following is an entry in ClinVar:

ClinVar aggregate classification (germline): Likely pathogenic (1 of 4 stars; one submission).

Conditions:
Autosomal recessive spinocerebellar ataxia 18. Identifiers: Orphanet 363432, MedGen C4015505, MONDO:0014530, OMIM 616204.

Submission:

Foundation for Research in Genetics and Endocrinology, FRIGE's Institute of Human Genetics
Classification: Likely pathogenic for Autosomal recessive spinocerebellar ataxia 18. Last evaluated: 2025-09-11. Review status: criteria provided, single submitter. Criteria: ACMG Guidelines, 2015. Collection method: clinical testing. Allele origin: germline. Inheritance: Autosomal recessive inheritance. Affected: yes. Observed: 1 variant allele, 1 homozygote.
Comment: A homozygous deletion chr4:(?_93225807)_ (93511438_94006145)del [deletion of exon 1-2] encompassing the GRID2 gene. Deletions involving exon 1 and 2 of the GRID2 gene have been previously reported in patients affected with Spinocerebellar ataxia-18 (PMID: 24078737). In summary, the variant meets our criteria to be classified as likely pathogenic.

NC_000004.11:g.(?_93225807)_(93511438_94006145)del

Gene: GRID2 (glutamate ionotropic receptor delta type subunit 2; plus strand). Cytogenetic location: 4q22.1-22.2.
Variant type: Deletion.
Identifiers: ClinVar variation 4880185 (VCV004880185.1).